The following is an entry in ClinVar:

NM_000091.5(COL4A3):c.4958G>A (p.Gly1653Glu)

Genes: MFF-DT (MFF divergent transcript; minus strand), COL4A3 (collagen type IV alpha 3 chain; plus strand). Cytogenetic location: 2q36.3.
Variant type: single nucleotide variant.
Coding change: c.4958G>A on transcript NM_000091.5 (MANE Select); coding-DNA position 4958, G replaced by A.
Protein change: p.Gly1653Glu; replaces glycine 1653 with glutamic acid.
Molecular consequence: missense variant.
Genome position (GRCh38, 1-based): chr2:227,311,815, G>A. VCF-style: chr2-227311815-G-A. GRCh37 (hg19) VCF-style: chr2-228176531-G-A.
Other names: short protein forms G1653E.
Identifiers: ClinVar variation 3256660 (VCV003256660.1).

ClinVar aggregate classification (germline): Uncertain significance (1 of 4 stars; one submission).

Conditions:
Autosomal dominant Alport syndrome (ATS3A). Also called: Alport syndrome dominant type; Renal failure and sensorineural hearing loss; ALPORT SYNDROME 3A, AUTOSOMAL DOMINANT. Identifiers: Orphanet 63, Orphanet 88918, MedGen C5882663, MONDO:0007086, OMIM 104200.

gnomAD v4.1: 1 of 1,613,882 alleles (0.000062%); highest among the groups gnomAD compares: Non-Finnish European, 0.000085%; no homozygotes.

Submission:

MVZ Medizinische Genetik Mainz
Classification: Uncertain significance for Autosomal dominant Alport syndrome. Last evaluated: 2024-04-11. Review status: criteria provided, single submitter. Criteria: UK Practice Guidelines For Variant Classification V4 01 2020. Collection method: clinical testing. Allele origin: germline. Inheritance: Autosomal dominant inheritance. Affected: yes. Observed: 1 variant allele.
Comment: ACMG Criteria: PM2_SUP,PP3